The following is an entry in ClinVar:

NM_000448.3(RAG1):c.850C>T (p.Pro284Ser)

Gene: RAG1 (recombination activating 1; plus strand). Cytogenetic location: 11p12.
Variant type: single nucleotide variant.
Coding change: c.850C>T on transcript NM_000448.3 (MANE Select); coding-DNA position 850, C replaced by T.
Protein change: p.Pro284Ser; replaces proline 284 with serine.
Molecular consequence: missense variant.
Genome position (GRCh38, 1-based): chr11:36,574,154, C>T. VCF-style: chr11-36574154-C-T. GRCh37 (hg19) VCF-style: chr11-36595704-C-T.
Other names: c.850C>T, p.Pro284Ser (NM_001377277.1, NM_001377278.1, NM_001377279.1 and 1 more transcripts); short protein forms P284S.
Identifiers: ClinVar variation 1057692 (VCV001057692.12), dbSNP rs768862261, ClinGen allele CA5950066.

ClinVar aggregate classification (germline): Uncertain significance. Review status: criteria provided, multiple submitters, no conflicts (2 of 4 stars). 2 submissions from 2 submitters: Uncertain significance (2). Last evaluated 2022-10-17.

Conditions:
Combined immunodeficiency with skin granulomas. Identifiers: Orphanet 157949, MedGen C2673536, MONDO:0009306, OMIM 233650.
Severe combined immunodeficiency, autosomal recessive, T cell-negative, B cell-negative, NK cell-positive. Also called: Severe combined immunodeficiency due to complete RAG1/2 deficiency; SCID, AR, T-cell negative, B-cell negative, NK cell-positive; SCID, T CELL-NEGATIVE, B CELL-NEGATIVE, NK CELL-POSITIVE. Identifiers: Orphanet 331206, MedGen C1832322, MONDO:0011086, OMIM 601457.

Allele frequency attached by ClinVar (database versions not stated): gnomAD exomes 0.00001 and 0.00005; TOPMed 0.00003; ExAC 0.00006.
gnomAD v4.1: 18 of 1,614,192 alleles (0.0011%); highest among the groups gnomAD compares: Admixed American, 0.028%; no homozygotes.

Submissions (2):

Labcorp Genetics (formerly Invitae), Labcorp
Classification: Uncertain significance for Combined immunodeficiency with skin granulomas; Severe combined immunodeficiency, autosomal recessive, T cell-negative, B cell-negative, NK cell-positive. Last evaluated: 2022-10-17. Review status: criteria provided, single submitter. Criteria: Invitae Variant Classification Sherloc (09022015). Collection method: clinical testing. Allele origin: germline.
Comment: This sequence change replaces proline, which is neutral and non-polar, with serine, which is neutral and polar, at codon 284 of the RAG1 protein (p.Pro284Ser). This variant is present in population databases (rs768862261, gnomAD 0.04%). This variant has not been reported in the literature in individuals affected with RAG1-related conditions. ClinVar contains an entry for this variant (Variation ID: 1057692). Advanced modeling of protein sequence and biophysical properties (such as structural, functional, and spatial information, amino acid conservation, physicochemical variation, residue mobility, and thermodynamic stability) has been performed at Invitae for this missense variant, however the output from this modeling did not meet the statistical confidence thresholds required to predict the impact of this variant on RAG1 protein function. In summary, the available evidence is currently insufficient to determine the role of this variant in disease. Therefore, it has been classified as a Variant of Uncertain Significance.

Mayo Clinic Laboratories, Mayo Clinic
Classification: Uncertain significance. Last evaluated: 2019-09-23. Review status: criteria provided, single submitter. Criteria: ACMG Guidelines, 2015. Collection method: clinical testing. Allele origin: germline. Observed: 1 variant allele.